The following is an entry in ClinVar:

NM_030665.4(RAI1):c.4512G>T (p.Leu1504=)

Gene: RAI1 (retinoic acid induced 1; plus strand). Cytogenetic location: 17p11.2.
Variant type: single nucleotide variant.
Coding change: c.4512G>T on transcript NM_030665.4 (MANE Select); coding-DNA position 4512, G replaced by T.
Protein change: p.Leu1504=; no amino-acid change (leucine 1504 retained).
Molecular consequence: synonymous variant.
Genome position (GRCh38, 1-based): chr17:17,797,460, G>T. VCF-style: chr17-17797460-G-T. GRCh37 (hg19) VCF-style: chr17-17700774-G-T.
Other names: p.Leu1504=.
Identifiers: ClinVar variation 96191 (VCV000096191.57), dbSNP rs117995220, ClinGen allele CA149339.

ClinVar aggregate classification (germline): Benign/Likely benign. Review status: criteria provided, multiple submitters, no conflicts (2 of 4 stars). 12 submissions from 12 submitters: Benign (9); Likely benign (1). 2 of the submissions do not count toward it. Last evaluated 2026-09-01.

Conditions:
Inborn genetic diseases. Identifiers: MedGen C0950123, MeSH D030342.
Smith-Magenis syndrome (SMS). Also called: CHROMOSOME 17p11.2 DELETION SYNDROME. Identifiers: Orphanet 819, MedGen C0795864, MONDO:0008434, OMIM 182290.

Allele frequency attached by ClinVar (database versions not stated): 1000 Genomes Project 0.00300; 1000 Genomes Project 30x 0.00344; ESP Exome Variant Server 0.00423; gnomAD 0.00547 and 0.00559; ExAC 0.00553; gnomAD exomes 0.00574 and 0.00661; TOPMed 0.00608.
gnomAD v4.1: 10,497 of 1,613,362 alleles (0.65%); highest among the groups gnomAD compares: Middle Eastern, 0.74%; 43 homozygotes.

Submissions (12):

CeGaT Center for Human Genetics Tuebingen
Classification: Benign. Last evaluated: 2026-09-01. Review status: criteria provided, single submitter. Criteria: CeGaT Center For Human Genetics Tuebingen Variant Classification Criteria Version 2. Collection method: clinical testing. Allele origin: germline. Affected: yes. Observed: 37 variant alleles.
Comment: RAI1: BP4, BS1, BS2

Labcorp Genetics (formerly Invitae), Labcorp
Classification: Benign. Last evaluated: 2026-02-03. Review status: criteria provided, single submitter. Criteria: Invitae Variant Classification Sherloc (09022015). Collection method: clinical testing. Allele origin: germline.

Athena Diagnostics
Classification: Benign. Last evaluated: 2024-11-18. Review status: criteria provided, single submitter. Criteria: Athena Diagnostics Criteria. Collection method: clinical testing. Allele origin: unknown.

Mayo Clinic Laboratories, Mayo Clinic
Classification: Benign. Last evaluated: 2024-01-04. Review status: criteria provided, single submitter. Criteria: ACMG Guidelines, 2015. Collection method: clinical testing. Allele origin: germline. Observed: 3 variant alleles.
Comment: BS1, BS2, BP4, BP7

Fulgent Genetics
Classification: Likely benign for Smith-Magenis syndrome. Last evaluated: 2021-09-10. Review status: criteria provided, single submitter. Criteria: ACMG Guidelines, 2015. Collection method: clinical testing. Allele origin: unknown.

Genetic Services Laboratory, University of Chicago
Classification: Benign. Last evaluated: 2018-02-09. Review status: criteria provided, single submitter. Criteria: ACMG Guidelines, 2015. Collection method: clinical testing. Allele origin: germline. Affected: no.

Ambry Genetics
Classification: Benign for Inborn genetic diseases. Last evaluated: 2017-05-25. Review status: criteria provided, single submitter. Criteria: Ambry Variant Classification Scheme 2023. Collection method: clinical testing. Allele origin: germline.

GeneDx
Classification: Benign. Last evaluated: 2015-03-03. Review status: criteria provided, single submitter. Criteria: GeneDx Variant Classification Process June 2021. Collection method: clinical testing. Allele origin: germline. Affected: yes.

Eurofins Ntd Llc (ga)
Classification: Benign. Last evaluated: 2013-10-02. Review status: criteria provided, single submitter. Criteria: EGL Classification Definitions 2015. Collection method: clinical testing. Allele origin: germline. Observed: 2 variant alleles, 2 heterozygotes.

Breakthrough Genomics
Classification: Benign. Review status: criteria provided, single submitter. Criteria: ACMG Guidelines, 2015. Collection method: not provided. Allele origin: germline. Inheritance: Autosomal dominant inheritance. Affected: yes.

Clinical Genetics DNA and cytogenetics Diagnostics Lab, Erasmus MC, Erasmus Medical Center
Classification: Benign. Review status: no assertion criteria provided. Collection method: clinical testing. Allele origin: germline. Affected: yes. Study: VKGL Data-share Consensus. Not counted in ClinVar's aggregate classification.

Diagnostic Laboratory, Department of Genetics, University Medical Center Groningen
Classification: Benign for Smith-Magenis syndrome. Review status: no assertion criteria provided. Collection method: clinical testing. Allele origin: germline. Affected: yes. Study: VKGL Data-share Consensus. Not counted in ClinVar's aggregate classification.

Literature cited by the submitters: PubMed 21857958 (cited by Athena Diagnostics); PubMed 27082237 (cited by Athena Diagnostics); PubMed 32343762 (cited by Athena Diagnostics).